The following is an entry in ClinVar:

NM_005762.3(TRIM28):c.1235G>A (p.Arg412His)

Gene: TRIM28 (tripartite motif containing 28; plus strand). Cytogenetic location: 19q13.43.
Variant type: single nucleotide variant.
Coding change: c.1235G>A on transcript NM_005762.3 (MANE Select); coding-DNA position 1235, G replaced by A.
Protein change: p.Arg412His; replaces arginine 412 with histidine.
Molecular consequence: missense variant.
Genome position (GRCh38, 1-based): chr19:58,548,504, G>A. VCF-style: chr19-58548504-G-A. GRCh37 (hg19) VCF-style: chr19-59059871-G-A.
Other names: short protein forms R412H.
Identifiers: ClinVar variation 2330074 (VCV002330074.5), dbSNP rs1244661092, ClinGen allele CA407914868.
Genomic context (GRCh38, chr19:58,548,504, plus strand): 5'-CCACGTGCTGCACCTACTTACGTTTCTCTCTTCTTTTTGCAGGCAAGATTGTGGCAGAGC[G>A]TCCTGGCACTAACTCAACAGGCCCTGCACCCATGGCCCCTCCAAGAGCCCCAGGGCCCCT-3'
Protein context (NP_005753.1, residues 402-422): AEAFGKIVAE[Arg412His]PGTNSTGPAP

ClinVar aggregate classification (germline): Uncertain significance. Review status: criteria provided, multiple submitters, no conflicts (2 of 4 stars). 2 submissions from 2 submitters: Uncertain significance (2). Last evaluated 2023-12-22.

Allele frequency attached by ClinVar (database versions not stated): gnomAD exomes below 0.00001; TOPMed below 0.00001; gnomAD 0.00001.
gnomAD v4.1: 4 of 1,613,936 alleles (0.00025%); highest among the groups gnomAD compares: African/African-American, 0.0013%; no homozygotes.

Submissions (2):

Labcorp Genetics (formerly Invitae), Labcorp
Classification: Uncertain significance. Last evaluated: 2023-12-22. Review status: criteria provided, single submitter. Criteria: Invitae Variant Classification Sherloc (09022015). Collection method: clinical testing. Allele origin: germline.
Comment: This sequence change replaces arginine, which is basic and polar, with histidine, which is basic and polar, at codon 412 of the TRIM28 protein (p.Arg412His). The frequency data for this variant in the population databases is considered unreliable, as metrics indicate poor data quality at this position in the gnomAD database. This variant has not been reported in the literature in individuals affected with TRIM28-related conditions. ClinVar contains an entry for this variant (Variation ID: 2330074). Experimental studies and prediction algorithms are not available or were not evaluated, and the functional significance of this variant is currently unknown. In summary, the available evidence is currently insufficient to determine the role of this variant in disease. Therefore, it has been classified as a Variant of Uncertain Significance.

Ambry Genetics
Classification: Uncertain significance. Last evaluated: 2022-11-30. Review status: criteria provided, single submitter. Criteria: Ambry Variant Classification Scheme 2023. Collection method: clinical testing. Allele origin: germline.